The following is an entry in ClinVar:

NM_002617.4(PEX10):c.551del (p.Ile184fs)

Gene: PEX10 (peroxisomal biogenesis factor 10; minus strand). Cytogenetic location: 1p36.32.
Variant type: Deletion.
Coding change: c.551del on transcript NM_002617.4 (MANE Select); coding-DNA position 551, one base deleted (T; older notation c.551delT).
Protein change: p.Ile184fs; shifts the reading frame from isoleucine 184.
Molecular consequence: frameshift variant. On other transcripts: non-coding transcript variant (1).
Genome position (GRCh38, 1-based): chr1:2,408,501, A deleted on the plus strand (T on the coding strand, the reverse complement: PEX10 is on the minus strand). VCF-style (leftmost placement, unchanged base first): chr1-2408500-GA-G. GRCh37 (hg19) VCF-style: chr1-2339939-GA-G.
Other names: c.551del, p.Ile184fs (NM_001374425.1, NM_153818.2); c.119del, p.Ile40fs (NM_001374426.1, NM_001374427.1); short protein forms I184fs, I40fs.
Identifiers: ClinVar variation 631594 (VCV000631594.10), dbSNP rs1557910202, ClinGen allele CA913189282.

ClinVar aggregate classification (germline): Pathogenic/Likely pathogenic. Review status: criteria provided, multiple submitters, no conflicts (2 of 4 stars). 2 submissions from 2 submitters: Pathogenic (1); Likely pathogenic (1). Last evaluated 2026-01-18.

Conditions:
Peroxisome biogenesis disorder, complementation group 7 (CG7). Also called: Peroxisome biogenesis disorder, complementation group B. Identifiers: MedGen C1864399.
Peroxisome biogenesis disorder 6A (Zellweger). Also called: Peroxisome biogenesis disorder 6A. Identifiers: Orphanet 912, MedGen C3553947, MONDO:0013936, OMIM 614870.

Submissions (2):

Labcorp Genetics (formerly Invitae), Labcorp
Classification: Pathogenic for Peroxisome biogenesis disorder, complementation group 7. Last evaluated: 2026-01-18. Review status: criteria provided, single submitter. Criteria: Invitae Variant Classification Sherloc (09022015). Collection method: clinical testing. Allele origin: germline.
Comment: This sequence change creates a premature translational stop signal (p.Ile184Thrfs*20) in the PEX10 gene. It is expected to result in an absent or disrupted protein product. Loss-of-function variants in PEX10 are known to be pathogenic (PMID: 9683594, 10862081, 21031596). This variant is not present in population databases (gnomAD no frequency). This variant has not been reported in the literature in individuals affected with PEX10-related conditions. ClinVar contains an entry for this variant (Variation ID: 631594). For these reasons, this variant has been classified as Pathogenic.

Baylor Genetics
Classification: Likely pathogenic for Peroxisome biogenesis disorder 6A (Zellweger). Last evaluated: 2023-06-23. Review status: criteria provided, single submitter. Criteria: ACMG Guidelines, 2015. Collection method: clinical testing. Allele origin: unknown.

Literature cited by the submitters: PubMed 9683594 (cited by Labcorp Genetics (formerly Invitae), Labcorp); PubMed 10862081 (cited by Labcorp Genetics (formerly Invitae), Labcorp); PubMed 21031596 (cited by Labcorp Genetics (formerly Invitae), Labcorp).